The following is an entry in ClinVar:

NM_004629.2(FANCG):c.1067A>G (p.Gln356Arg)

Gene: FANCG (FA complementation group G; minus strand). Cytogenetic location: 9p13.3.
Variant type: single nucleotide variant.
Coding change: c.1067A>G on transcript NM_004629.2 (MANE Select); coding-DNA position 1067, A replaced by G.
Protein change: p.Gln356Arg; replaces glutamine 356 with arginine.
Molecular consequence: missense variant.
Genome position (GRCh38, 1-based): chr9:35,076,441, T>C on the plus strand (A>G on the coding strand, the complement: FANCG is on the minus strand). VCF-style: chr9-35076441-T-C. GRCh37 (hg19) VCF-style: chr9-35076438-T-C.
Other names: short protein forms Q356R.
Identifiers: ClinVar variation 4871024 (VCV004871024.1).

ClinVar aggregate classification (germline): Uncertain significance (1 of 4 stars; one submission).

Conditions:
Inborn genetic diseases. Identifiers: MedGen C0950123, MeSH D030342.

Submission:

Ambry Genetics
Classification: Uncertain significance for Inborn genetic diseases. Last evaluated: 2026-06-14. Review status: criteria provided, single submitter. Criteria: Ambry Variant Classification Scheme 2023. Collection method: clinical testing. Allele origin: germline.
Comment: The p.Q356R variant (also known as c.1067A>G), located in coding exon 8 of the FANCG gene, results from an A to G substitution at nucleotide position 1067. The glutamine at codon 356 is replaced by arginine, an amino acid with highly similar properties. This amino acid position is conserved. In addition, this alteration is predicted to be tolerated by in silico analysis. Based on the available evidence, the clinical significance of this variant remains unclear.